The following is an entry in ClinVar:

NM_000053.4(ATP7B):c.3666C>G (p.Asp1222Glu)

Gene: ATP7B (ATPase copper transporting beta; minus strand). Cytogenetic location: 13q14.3.
Variant type: single nucleotide variant.
Coding change: c.3666C>G on transcript NM_000053.4 (MANE Select); coding-DNA position 3666, C replaced by G.
Protein change: p.Asp1222Glu; replaces aspartic acid 1222 with glutamic acid.
Molecular consequence: missense variant.
Genome position (GRCh38, 1-based): chr13:51,939,084, G>C on the plus strand (C>G on the coding strand, the complement: ATP7B is on the minus strand). VCF-style: chr13-51939084-G-C. GRCh37 (hg19) VCF-style: chr13-52513220-G-C.
Other names: c.3219C>G, p.Asp1073Glu (NM_001406540.1); c.3180C>G, p.Asp1060Glu (NM_001406541.1, NM_001406542.1); c.3174C>G, p.Asp1058Glu (NM_001406543.1); c.3084C>G, p.Asp1028Glu (NM_001406544.1); c.3018C>G, p.Asp1006Glu (NM_001406545.1); c.2985C>G, p.Asp995Glu (NM_001406546.1); c.2823C>G, p.Asp941Glu (NM_001406547.1); c.2376C>G, p.Asp792Glu (NM_001406548.1); and 20 more; short protein forms D1006E, D1015E, D1028E, D1058E, D1060E, D1073E, D1079E, D1096E.
Identifiers: ClinVar variation 3387409 (VCV003387409.1).

ClinVar aggregate classification (germline): Uncertain significance (1 of 4 stars; one submission).

Conditions:
Wilson disease (WND). Also called: Wilson's disease. Identifiers: Orphanet 905, MedGen C0019202, MONDO:0010200, OMIM 277900. Disease mechanism: loss of function.

Submission:

All of Us Research Program, National Institutes of Health
Classification: Uncertain significance for Wilson disease. Last evaluated: 2024-05-14. Review status: criteria provided, single submitter. Criteria: ACMG Guidelines, 2015. Collection method: clinical testing. Allele origin: germline. Inheritance: Autosomal recessive inheritance. Observed: 1 variant allele, 1 heterozygote.
Comment: This missense variant replaces aspartic acid with glutamic acid at codon 1222 of the ATP7B protein. Computational prediction suggests that this variant may have deleterious impact on protein structure and function (internally defined REVEL score threshold >= 0.7, PMID: 27666373). To our knowledge, functional studies have not been reported for this variant. This variant has not been reported in individuals affected with ATP7B-related disorders in the literature. This variant has not been identified in the general population by the Genome Aggregation Database (gnomAD). The available evidence is insufficient to determine the role of this variant in disease conclusively. Therefore, this variant is classified as a Variant of Uncertain Significance.

This study involves interpretation of variants in research participants for the purpose of population health screening. Participant phenotype was not available at the time of variant classification. Additional details can be found in publication PMID: 35346344, PMCID: PMC8962531